The following is an entry in ClinVar:

ClinVar aggregate classification (germline): Uncertain significance. Review status: criteria provided, multiple submitters, no conflicts (2 of 4 stars). 2 submissions from 2 submitters: Uncertain significance (2). Last evaluated 2024-10-22.

Allele frequency attached by ClinVar (database versions not stated): gnomAD 0.00001; gnomAD exomes 0.00001; TOPMed 0.00002.
gnomAD v4.1: 18 of 1,610,124 alleles (0.0011%); highest among the groups gnomAD compares: Non-Finnish European, 0.0014%; no homozygotes.

Submissions (2):

Blueprint Genetics
Classification: Uncertain significance. Last evaluated: 2024-10-22. Review status: criteria provided, single submitter. Criteria: ACMG Guidelines, 2015. Collection method: clinical testing. Allele origin: germline.

Labcorp Genetics (formerly Invitae), Labcorp
Classification: Uncertain significance. Last evaluated: 2022-03-26. Review status: criteria provided, single submitter. Criteria: Invitae Variant Classification Sherloc (09022015). Collection method: clinical testing. Allele origin: germline.
Comment: In summary, the available evidence is currently insufficient to determine the role of this variant in disease. Therefore, it has been classified as a Variant of Uncertain Significance. Algorithms developed to predict the effect of missense changes on protein structure and function output the following: SIFT: "Deleterious"; PolyPhen-2: "Benign"; Align-GVGD: "Class C0". The aspartic acid amino acid residue is found in multiple mammalian species, which suggests that this missense change does not adversely affect protein function. This variant has not been reported in the literature in individuals affected with ARHGEF18-related conditions. This variant is present in population databases (no rsID available, gnomAD 0.002%). This sequence change replaces glycine, which is neutral and non-polar, with aspartic acid, which is acidic and polar, at codon 149 of the ARHGEF18 protein (p.Gly149Asp).

NM_001367823.1(ARHGEF18):c.1010G>A (p.Gly337Asp)

Gene: ARHGEF18 (Rho/Rac guanine nucleotide exchange factor 18; plus strand). Cytogenetic location: 19p13.2.
Variant type: single nucleotide variant.
Coding change: c.1010G>A on transcript NM_001367823.1 (MANE Select); coding-DNA position 1010, G replaced by A.
Protein change: p.Gly337Asp; replaces glycine 337 with aspartic acid.
Molecular consequence: missense variant. On other transcripts: 5 prime UTR variant (2).
Genome position (GRCh38, 1-based): chr19:7,440,386, G>A. VCF-style: chr19-7440386-G-A. GRCh37 (hg19) VCF-style: chr19-7505272-G-A.
Other names: c.284G>A, p.Gly95Asp (NM_001130955.2); c.-29G>A (NM_001367824.1, NM_015318.4); short protein forms G95D, G337D.
Identifiers: ClinVar variation 1465685 (VCV001465685.7), dbSNP rs903675524, ClinGen allele CA304878035.